The following is an entry in ClinVar:

NM_007194.4(CHEK2):c.461A>G (p.Asn154Ser)

Gene: CHEK2 (checkpoint kinase 2; minus strand). Cytogenetic location: 22q12.1.
Variant type: single nucleotide variant.
Coding change: c.461A>G on transcript NM_007194.4 (MANE Select); coding-DNA position 461, A replaced by G.
Protein change: p.Asn154Ser; replaces asparagine 154 with serine.
Molecular consequence: missense variant. On other transcripts: 5 prime UTR variant (2), intron variant (1).
Genome position (GRCh38, 1-based): chr22:28,725,108, T>C on the plus strand (A>G on the coding strand, the complement: CHEK2 is on the minus strand). VCF-style: chr22-28725108-T-C. GRCh37 (hg19) VCF-style: chr22-29121096-T-C.
Other names: c.461A>G (NM_007194.3); c.590A>G, p.Asn197Ser (NM_001005735.3, NM_001438294.1); c.-317A>G (NM_001257387.3); c.-203A>G (NM_001437942.1); c.554A>G, p.Asn185Ser (NM_001438293.1, NM_001438295.1); c.461A>G, p.Asn154Ser (NM_145862.3); c.444+135A>G (NM_001349956.3); short protein forms N154S, N197S, N185S.
Identifiers: ClinVar variation 1055189 (VCV001055189.11), dbSNP rs2146061665, ClinGen allele CA411107696.

ClinVar aggregate classification (germline): Uncertain significance. Review status: criteria provided, multiple submitters, no conflicts (2 of 4 stars). 2 submissions from 2 submitters: Uncertain significance (2). Last evaluated 2025-05-28.

Conditions:
Familial cancer of breast. Also called: BREAST CANCER, FAMILIAL; Hereditary breast cancer; hereditary breast carcinoma. Identifiers: Orphanet 227535, MedGen C0346153, MONDO:0016419, OMIM 114480. Disease mechanism: loss of function.

Submissions (2):

Quest Diagnostics Nichols Institute San Juan Capistrano
Classification: Uncertain significance. Last evaluated: 2025-05-28. Review status: criteria provided, single submitter. Criteria: Quest Diagnostics criteria. Collection method: clinical testing. Allele origin: unknown.
Comment: The CHEK2 c.461A>G (p.Asn154Ser) variant has not been reported in the germline individuals with CHEK2-related conditions in the published literature. It also has not been reported in large, multi-ethnic general populations (Genome Aggregation Database). Analysis of this variant using bioinformatics tools for the prediction of the effect of amino acid changes on protein structure and function yielded predictions that this variant is benign. Based on the available information, we are unable to determine the clinical significance of this variant.

Labcorp Genetics (formerly Invitae), Labcorp
Classification: Uncertain significance for Familial cancer of breast. Last evaluated: 2020-07-19. Review status: criteria provided, single submitter. Criteria: Invitae Variant Classification Sherloc (09022015). Collection method: clinical testing. Allele origin: germline.
Comment: This variant has not been reported in the literature in individuals with CHEK2-related conditions. This variant is not present in population databases (ExAC no frequency). Algorithms developed to predict the effect of missense changes on protein structure and function (SIFT, PolyPhen-2, Align-GVGD) all suggest that this variant is likely to be tolerated, but these predictions have not been confirmed by published functional studies and their clinical significance is uncertain. In summary, the available evidence is currently insufficient to determine the role of this variant in disease. Therefore, it has been classified as a Variant of Uncertain Significance. This sequence change replaces asparagine with serine at codon 154 of the CHEK2 protein (p.Asn154Ser). The asparagine residue is highly conserved and there is a small physicochemical difference between asparagine and serine.

Literature cited by the submitters: PubMed 31925297 (cited by Quest Diagnostics Nichols Institute San Juan Capistrano).